The following is an entry in ClinVar:

ClinVar aggregate classification (germline): Uncertain significance (1 of 4 stars; one submission).

Allele frequency attached by ClinVar (database versions not stated): gnomAD exomes below 0.00001; TOPMed below 0.00001; gnomAD 0.00003.
gnomAD v4.1: 8 of 1,614,026 alleles (0.0005%); highest among the groups gnomAD compares: Non-Finnish European, 0.00068%; no homozygotes.

Submission:

Labcorp Genetics (formerly Invitae), Labcorp
Classification: Uncertain significance. Last evaluated: 2023-05-23. Review status: criteria provided, single submitter. Criteria: Invitae Variant Classification Sherloc (09022015). Collection method: clinical testing. Allele origin: germline.
Comment: In summary, the available evidence is currently insufficient to determine the role of this variant in disease. Therefore, it has been classified as a Variant of Uncertain Significance. Variants that disrupt the consensus splice site are a relatively common cause of aberrant splicing (PMID: 17576681, 9536098). Algorithms developed to predict the effect of sequence changes on RNA splicing suggest that this variant may disrupt the consensus splice site. This sequence change affects codon 2507 of the COL7A1 mRNA. It is a 'silent' change, meaning that it does not change the encoded amino acid sequence of the COL7A1 protein. This variant also falls at the last nucleotide of exon 99, which is part of the consensus splice site for this exon. This variant is present in population databases (no rsID available, gnomAD 0.02%). This variant has not been reported in the literature in individuals affected with COL7A1-related conditions.

Literature cited by the submitters: PubMed 17576681; PubMed 9536098.

NM_000094.4(COL7A1):c.7521G>A (p.Lys2507=)

Gene: COL7A1 (collagen type VII alpha 1 chain; minus strand). Cytogenetic location: 3p21.31.
Variant type: single nucleotide variant.
Coding change: c.7521G>A on transcript NM_000094.4 (MANE Select); coding-DNA position 7521, G replaced by A.
Protein change: p.Lys2507=; no amino-acid change (lysine 2507 retained).
Molecular consequence: synonymous variant.
Genome position (GRCh38, 1-based): chr3:48,569,880, C>T on the plus strand (G>A on the coding strand, the complement: COL7A1 is on the minus strand). VCF-style: chr3-48569880-C-T. GRCh37 (hg19) VCF-style: chr3-48607313-C-T.
Identifiers: ClinVar variation 2880574 (VCV002880574.3), dbSNP rs1047600527, ClinGen allele CA73973888.